The following is an entry in ClinVar:

NM_001267550.2(TTN):c.31643C>T (p.Pro10548Leu)

Gene: TTN (titin; minus strand). Cytogenetic location: 2q31.2.
Variant type: single nucleotide variant.
Coding change: c.31643C>T on transcript NM_001267550.2 (MANE Select); coding-DNA position 31643, C replaced by T.
Protein change: p.Pro10548Leu; replaces proline 10548 with leucine.
Molecular consequence: missense variant. On other transcripts: intron variant (3).
Genome position (GRCh38, 1-based): chr2:178,692,532, G>A on the plus strand (C>T on the coding strand, the complement: TTN is on the minus strand). VCF-style: chr2-178692532-G-A. GRCh37 (hg19) VCF-style: chr2-179557259-G-A.
Other names: c.30692C>T, p.Pro10231Leu (NM_001256850.1); c.27911C>T, p.Pro9304Leu (NM_133378.4); c.13282+45550C>T (NM_003319.4); c.13858+45550C>T (NM_133437.4); c.13657+45550C>T (NM_133432.3); short protein forms P10548L, P10231L, P9304L.
Identifiers: ClinVar variation 522935 (VCV000522935.34), dbSNP rs753460621, ClinGen allele CA1998893.
Genomic context (GRCh38, chr2:178,692,532, plus strand): 5'-ATTTTTTTCACAAATATTATTCTACCTTTTGGTGCTGGGGGCTCCACTTTTTTAGGGATA[G>A]GAACAGGGGCCACTTCTTCTGGAGCTGGTTTCTCAGGTAGCTCAGGGACTTTAAAAGAAA-3'
Protein context (NP_001254479.2, residues 10538-10558): KPAPEEVAPV[Pro10548Leu]IPKKVEPPAP

ClinVar aggregate classification (germline): Conflicting classifications of pathogenicity. Review status: criteria provided, conflicting classifications (1 of 4 stars). 2 submissions from 2 submitters: Uncertain significance (1); Likely benign (1). Last evaluated 2022-10-01.

Conditions:
Dilated cardiomyopathy 1G (CMD1G). Identifiers: Orphanet 154, MedGen C1858763, MONDO:0011400, OMIM 604145.

Allele frequency attached by ClinVar (database versions not stated): TOPMed below 0.00001; ExAC 0.00003.
gnomAD v4.1: 5 of 1,585,038 alleles (0.00032%); highest among the groups gnomAD compares: Admixed American, 0.0018%; no homozygotes.

Submissions (2):

CeGaT Center for Human Genetics Tuebingen
Classification: Likely benign. Last evaluated: 2022-10-01. Review status: criteria provided, single submitter. Criteria: CeGaT Center For Human Genetics Tuebingen Variant Classification Criteria Version 2. Collection method: clinical testing. Allele origin: germline. Affected: yes. Observed: 2 variant alleles.
Comment: TTN: BP4

Genomic Research Center, Shahid Beheshti University of Medical Sciences
Classification: Uncertain significance for Dilated cardiomyopathy 1G. Last evaluated: 2017-12-18. Review status: criteria provided, single submitter. Criteria: ACMG Guidelines, 2015. Collection method: clinical testing. Allele origin: inherited. Affected: yes.